The following is an entry in ClinVar:

ClinVar aggregate classification (germline): Pathogenic (1 of 4 stars; one submission).

Submission:

Labcorp Genetics (formerly Invitae), Labcorp
Classification: Pathogenic. Last evaluated: 2022-06-19. Review status: criteria provided, single submitter. Criteria: Invitae Variant Classification Sherloc (09022015). Collection method: clinical testing. Allele origin: germline.
Comment: For these reasons, this variant has been classified as Pathogenic. This variant has not been reported in the literature in individuals affected with ESCO2-related conditions. This variant is not present in population databases (gnomAD no frequency). This sequence change creates a premature translational stop signal (p.Asn281Lysfs*4) in the ESCO2 gene. It is expected to result in an absent or disrupted protein product. Loss-of-function variants in ESCO2 are known to be pathogenic (PMID: 15821733, 16380922).

Literature cited by the submitters: PubMed 15821733; PubMed 16380922.

NM_001017420.3(ESCO2):c.843_846del (p.Asn281fs)

Gene: ESCO2 (establishment of sister chromatid cohesion N-acetyltransferase 2; plus strand). Cytogenetic location: 8p21.1.
Variant type: Deletion.
Coding change: c.843_846del on transcript NM_001017420.3 (MANE Select); coding-DNA positions 843 to 846, 4 bases deleted (TAAA; older notation c.843_846delTAAA).
Protein change: p.Asn281fs; shifts the reading frame from asparagine 281.
Molecular consequence: frameshift variant.
Genome position (GRCh38, 1-based): chr8:27,777,151-27,777,154, TAAA deleted; deleting any 4 consecutive bases within chr8:27,777,148-27,777,154 gives the same sequence; the c. name uses the placement nearest the transcript's 3' end. VCF-style (leftmost placement, unchanged base first): chr8-27777147-AAAAT-A. GRCh37 (hg19) VCF-style: chr8-27634664-AAAAT-A.
Other names: short protein forms N281fs.
Identifiers: ClinVar variation 2008551 (VCV002008551.4), dbSNP rs2486629416, ClinGen allele CA2580078181.